The following is an entry in ClinVar:

NM_014991.6(WDFY3):c.6565A>G (p.Ile2189Val)

Gene: WDFY3 (WD repeat and FYVE domain containing 3; minus strand). Cytogenetic location: 4q21.23.
Variant type: single nucleotide variant.
Coding change: c.6565A>G on transcript NM_014991.6 (MANE Select); coding-DNA position 6565, A replaced by G.
Protein change: p.Ile2189Val; replaces isoleucine 2189 with valine.
Molecular consequence: missense variant.
Genome position (GRCh38, 1-based): chr4:84,739,019, T>C on the plus strand (A>G on the coding strand, the complement: WDFY3 is on the minus strand). VCF-style: chr4-84739019-T-C. GRCh37 (hg19) VCF-style: chr4-85660172-T-C.
Other names: c.6565A>G (NM_014991.4); short protein forms I2189V.
Identifiers: ClinVar variation 2416835 (VCV002416835.4), dbSNP rs1366500526, ClinGen allele CA357554080.

ClinVar aggregate classification (germline): Uncertain significance. Review status: criteria provided, multiple submitters, no conflicts (2 of 4 stars). 2 submissions from 2 submitters: Uncertain significance (2). Last evaluated 2025-09-10.

Conditions:
Inborn genetic diseases. Identifiers: MedGen C0950123, MeSH D030342.

gnomAD v4.1: 2 of 1,614,072 alleles (0.00012%); highest among the groups gnomAD compares: East Asian, 0.0022%; no homozygotes.

Submissions (2):

Ambry Genetics
Classification: Uncertain significance for Inborn genetic diseases. Last evaluated: 2025-09-10. Review status: criteria provided, single submitter. Criteria: Ambry Variant Classification Scheme 2023. Collection method: clinical testing. Allele origin: germline.

Labcorp Genetics (formerly Invitae), Labcorp
Classification: Uncertain significance. Last evaluated: 2022-07-25. Review status: criteria provided, single submitter. Criteria: Invitae Variant Classification Sherloc (09022015). Collection method: clinical testing. Allele origin: germline.
Comment: This sequence change replaces isoleucine, which is neutral and non-polar, with valine, which is neutral and non-polar, at codon 2189 of the WDFY3 protein (p.Ile2189Val). This variant is not present in population databases (gnomAD no frequency). This variant has not been reported in the literature in individuals affected with WDFY3-related conditions. Algorithms developed to predict the effect of missense changes on protein structure and function output the following: SIFT: "Tolerated"; PolyPhen-2: "Benign"; Align-GVGD: "Class C0". The valine amino acid residue is found in multiple mammalian species, which suggests that this missense change does not adversely affect protein function. In summary, the available evidence is currently insufficient to determine the role of this variant in disease. Therefore, it has been classified as a Variant of Uncertain Significance.